The following is an entry in ClinVar:

ClinVar aggregate classification (germline): Uncertain significance (1 of 4 stars; one submission).

Conditions:
Familial hypercholesterolemia. Also called: Familial hypercholesterolaemia. Identifiers: MedGen C0020445, MONDO:0005439.

Allele frequency attached by ClinVar (database versions not stated): gnomAD exomes below 0.00001 and 0.00002; TOPMed below 0.00001; gnomAD 0.00001; ExAC 0.00002.
gnomAD v4.1: 8 of 1,613,982 alleles (0.0005%); highest among the groups gnomAD compares: African/African-American, 0.0013%; no homozygotes.

Submission:

Color Diagnostics, LLC DBA Color Health
Classification: Uncertain significance for Familial hypercholesterolemia. Last evaluated: 2019-01-08. Review status: criteria provided, single submitter. Criteria: ACMG Guidelines, 2015. Collection method: clinical testing. Allele origin: germline.
Comment: Variant of Uncertain Significance due to insufficient evidence: This missense variant is located in the propeptide sequence of the PCSK9 protein. Computational prediction tools and conservation analyses are inconclusive regarding the impact of this variant on the protein function. Computational splicing tools suggest that this variant may not impact RNA splicing. To our knowledge, functional assays have not been performed for this variant nor has this variant been reported in individuals affected with familial hypercholesterolemia in the literature. This variant has been identified in 3/246262 chromosomes in the general population by the Genome Aggregation Database (gnomAD). Available evidence is insufficient to determine the role of this variant in disease conclusively.

NM_174936.4(PCSK9):c.421G>A (p.Asp141Asn)

Gene: PCSK9 (proprotein convertase subtilisin/kexin type 9; plus strand). Cytogenetic location: 1p32.3.
Variant type: single nucleotide variant.
Coding change: c.421G>A on transcript NM_174936.4 (MANE Select); coding-DNA position 421, G replaced by A.
Protein change: p.Asp141Asn; replaces aspartic acid 141 with asparagine.
Molecular consequence: missense variant.
Genome position (GRCh38, 1-based): chr1:55,046,544, G>A. VCF-style: chr1-55046544-G-A. GRCh37 (hg19) VCF-style: chr1-55512217-G-A.
Other names: short protein forms D141N.
Identifiers: ClinVar variation 924431 (VCV000924431.3), dbSNP rs769000401, ClinGen allele CA042126.